The following is an entry in ClinVar:

NM_001256545.2(MEGF10):c.1711G>A (p.Val571Met)

Gene: MEGF10 (multiple EGF like domains 10; plus strand). Cytogenetic location: 5q23.2.
Variant type: single nucleotide variant.
Coding change: c.1711G>A on transcript NM_001256545.2 (MANE Select); coding-DNA position 1711, G replaced by A.
Protein change: p.Val571Met; replaces valine 571 with methionine.
Molecular consequence: missense variant.
Genome position (GRCh38, 1-based): chr5:127,433,380, G>A. VCF-style: chr5-127433380-G-A. GRCh37 (hg19) VCF-style: chr5-126769072-G-A.
Other names: c.1711G>A, p.Val571Met (NM_032446.3); short protein forms V571M.
Identifiers: ClinVar variation 1057660 (VCV001057660.8), dbSNP rs149021647, ClinGen allele CA3391704.
Genomic context (GRCh38, chr5:127,433,380, plus strand): 5'-GCACTGCCTCTCACTCAGCCTTGCCCCATGTGCATTATTTCAGGTGTCCACTGTGACAGC[G>A]TGTGTGCTGAGGGACGCTGGGGCCCCAACTGCTCCCTGCCCTGCTACTGTAAAAATGGGG-3'
Protein context (NP_001243474.1, residues 561-581): PGWSGVHCDS[Val571Met]CAEGRWGPNC

ClinVar aggregate classification (germline): Uncertain significance (1 of 4 stars; one submission).

Conditions:
MEGF10-related myopathy (CMYO10A). Also called: Congenital myopathy 10A, severe variant. Identifiers: Orphanet 439212, MedGen C3280679, MONDO:0013731, OMIM 614399.

Allele frequency attached by ClinVar (database versions not stated): gnomAD 0.00001; TOPMed 0.00001; ExAC 0.00002; gnomAD exomes 0.00002; ESP Exome Variant Server 0.00008.
gnomAD v4.1: 26 of 1,614,078 alleles (0.0016%); highest among the groups gnomAD compares: Middle Eastern, 0.033%; no homozygotes.

Submission:

Labcorp Genetics (formerly Invitae), Labcorp
Classification: Uncertain significance for MEGF10-related myopathy. Last evaluated: 2023-10-09. Review status: criteria provided, single submitter. Criteria: Invitae Variant Classification Sherloc (09022015). Collection method: clinical testing. Allele origin: germline.
Comment: This sequence change replaces valine, which is neutral and non-polar, with methionine, which is neutral and non-polar, at codon 571 of the MEGF10 protein (p.Val571Met). This variant is present in population databases (rs149021647, gnomAD 0.006%). This variant has not been reported in the literature in individuals affected with MEGF10-related conditions. ClinVar contains an entry for this variant (Variation ID: 1057660). Advanced modeling of protein sequence and biophysical properties (such as structural, functional, and spatial information, amino acid conservation, physicochemical variation, residue mobility, and thermodynamic stability) performed at Invitae indicates that this missense variant is not expected to disrupt MEGF10 protein function. In summary, the available evidence is currently insufficient to determine the role of this variant in disease. Therefore, it has been classified as a Variant of Uncertain Significance.